The following is an entry in ClinVar:

ClinVar aggregate classification (germline): Uncertain significance (1 of 4 stars; one submission).

Submission:

GeneDx
Classification: Uncertain significance. Last evaluated: 2026-02-02. Review status: criteria provided, single submitter. Criteria: GeneDx Variant Classification Process June 2021. Collection method: clinical testing. Allele origin: germline.
Comment: Not observed at significant frequency in large population cohorts (gnomAD); In silico analysis supports that this missense variant has a deleterious effect on protein structure/function; Has not been previously published as pathogenic or benign to our knowledge

NM_000540.3(RYR1):c.11561G>C (p.Gly3854Ala)

Gene: RYR1 (ryanodine receptor 1; plus strand). Cytogenetic location: 19q13.2.
Variant type: single nucleotide variant.
Coding change: c.11561G>C on transcript NM_000540.3 (MANE Select); coding-DNA position 11561, G replaced by C.
Protein change: p.Gly3854Ala; replaces glycine 3854 with alanine.
Molecular consequence: missense variant.
Genome position (GRCh38, 1-based): chr19:38,536,041, G>C. VCF-style: chr19-38536041-G-C. GRCh37 (hg19) VCF-style: chr19-39026681-G-C.
Other names: c.11546G>C, p.Gly3849Ala (NM_001042723.2); short protein forms G3849A, G3854A.
Identifiers: ClinVar variation 4975853 (VCV004975853.1).